The following is an entry in ClinVar:

ClinVar aggregate classification (germline): Likely pathogenic (1 of 4 stars; one submission).

Conditions:
Autosomal recessive polycystic kidney disease (ARPKD). Also called: AR polycystic kidney disease. Identifiers: Orphanet 731, Orphanet 8378, MedGen C0085548, MeSH D017044, MONDO:0009889.

Submission:

Natera, Inc.
Classification: Likely pathogenic for Autosomal recessive polycystic kidney disease. Last evaluated: 2024-07-23. Review status: criteria provided, single submitter. Criteria: Natera Variant Classification Schema (03/2026). Collection method: clinical testing. Allele origin: germline.
Comment: The c.8441-1G>T variant in PKHD1 is a canonical splice acceptor site variant predicted to affect pre-mRNA splicing, which may result in an abnormal transcript and altered protein product. This variant is expected to result in nonsense mediated decay, truncation, or a dysfunctional protein product. This variant is rare in the general population with a frequency below the threshold expected for the associated phenotype(s). Given the available evidence, this variant is classified as Likely Pathogenic.

NM_138694.4(PKHD1):c.8441-1G>T

Gene: PKHD1 (PKHD1 ciliary IPT domain containing fibrocystin/polyductin; minus strand). Cytogenetic location: 6p12.3.
Variant type: single nucleotide variant.
Coding change: c.8441-1G>T on transcript NM_138694.4 (MANE Select); the canonical splice acceptor site of the intron before coding-DNA position 8441, G replaced by T.
Molecular consequence: splice acceptor variant.
Genome position (GRCh38, 1-based): chr6:51,775,922, C>A on the plus strand (G>T on the coding strand, the complement: PKHD1 is on the minus strand). VCF-style: chr6-51775922-C-A. GRCh37 (hg19) VCF-style: chr6-51640720-C-A.
Other names: c.8441-1G>T (NM_170724.3).
Identifiers: ClinVar variation 4816772 (VCV004816772.1).